The following is an entry in ClinVar:

ClinVar aggregate classification (germline): Uncertain significance (1 of 4 stars; one submission).

Conditions:
X-linked lymphoproliferative disease due to XIAP deficiency. Also called: XIAP DEFICIENCY; XIAP-Related Lymphoproliferative Disease, X-Linked. Identifiers: Orphanet 2442, Orphanet 538934, MedGen C1845076, MONDO:0010385, OMIM 300635.

Submission:

Labcorp Genetics (formerly Invitae), Labcorp
Classification: Uncertain significance for X-linked lymphoproliferative disease due to XIAP deficiency. Last evaluated: 2024-02-17. Review status: criteria provided, single submitter. Criteria: Invitae Variant Classification Sherloc (09022015). Collection method: clinical testing. Allele origin: germline.
Comment: This sequence change replaces isoleucine, which is neutral and non-polar, with valine, which is neutral and non-polar, at codon 370 of the XIAP protein (p.Ile370Val). This variant is not present in population databases (gnomAD no frequency). This variant has not been reported in the literature in individuals affected with XIAP-related conditions. ClinVar contains an entry for this variant (Variation ID: 960985). Advanced modeling of protein sequence and biophysical properties (such as structural, functional, and spatial information, amino acid conservation, physicochemical variation, residue mobility, and thermodynamic stability) performed at Invitae indicates that this missense variant is not expected to disrupt XIAP protein function with a negative predictive value of 80%. In summary, the available evidence is currently insufficient to determine the role of this variant in disease. Therefore, it has been classified as a Variant of Uncertain Significance.

NM_001167.4(XIAP):c.1108A>G (p.Ile370Val)

Gene: XIAP (X-linked inhibitor of apoptosis; plus strand). Cytogenetic location: Xq25.
Variant type: single nucleotide variant.
Coding change: c.1108A>G on transcript NM_001167.4 (MANE Select); coding-DNA position 1108, A replaced by G.
Protein change: p.Ile370Val; replaces isoleucine 370 with valine.
Molecular consequence: missense variant. On other transcripts: non-coding transcript variant (2).
Genome position (GRCh38, 1-based): chrX:123,900,501, A>G. VCF-style: chrX-123900501-A-G. GRCh37 (hg19) VCF-style: chrX-123034351-A-G.
Other names: c.1108A>G, p.Ile370Val (NM_001204401.2, NM_001378590.1, NM_001378591.1 and 1 more transcripts); short protein forms I370V.
Identifiers: ClinVar variation 960985 (VCV000960985.8), dbSNP rs2053505712, ClinGen allele CA414126819.